The following is an entry in ClinVar:

ClinVar aggregate classification (germline): Uncertain significance. Review status: criteria provided, multiple submitters, no conflicts (2 of 4 stars). 2 submissions from 2 submitters: Uncertain significance (2). Last evaluated 2026-05-21.

Conditions:
Obesity with Prader-Willi like phenotype.
SIM1-related disorder. Also called: SIM1-related condition; SIM1-related disorders.

Allele frequency attached by ClinVar (database versions not stated): gnomAD exomes below 0.00001; gnomAD 0.00001; TOPMed 0.00004.
gnomAD v4.1: 21 of 1,614,062 alleles (0.0013%); highest among the groups gnomAD compares: Admixed American, 0.0017%; no homozygotes.

Submissions (2):

PreventionGenetics, part of Exact Sciences
Classification: Uncertain significance for SIM1-related condition. Last evaluated: 2026-05-21. Review status: criteria provided, single submitter. Criteria: ACMG Guidelines, 2015. Collection method: clinical testing. Allele origin: germline.
Comment: The SIM1 c.1822A>G variant is predicted to result in the amino acid substitution p.Asn608Asp. To our knowledge, this variant has not been reported in the literature or in a large population database (gnomAD), indicating this variant is rare. At this time, the clinical significance of this variant is uncertain due to the absence of conclusive functional and genetic evidence.

New York Genome Center
Classification: Uncertain significance for Obesity with Prader-Willi like phenotype. Last evaluated: 2021-09-17. Review status: criteria provided, single submitter. Criteria: NYGC Assertion Criteria 2020. Collection method: clinical testing. Allele origin: germline, inherited. Observed: 2 heterozygotes. Clinical features observed: Type 2 diabetes mellitus (HP:0005978), Hepatic steatosis (HP:0001397), Hyperlipidemia (HP:0003077), Global developmental delay (HP:0001263), Autism (HP:0000717), Prominent forehead (HP:0011220), Epicanthus (HP:0000286), Midface retrusion (HP:0011800), Narrow face (HP:0000275), Absent speech (HP:0001344). Study: CSER-NYCKidSeq.
Comment: The c.1822A>G (p.Asn608Asp) variant in the SIM1 gene substitutes a conserved Asparagine for Aspartic Acid at amino acid 608/767 (exon 12/12). This variant is found with low frequency in gnomAD(v3.1) (2 heterozygotes, 0 homozygotes; allele frequency: 1.31e-5) suggesting it is not a common benign variant in the populations represented in that database. In silico algorithms predict this variant to be tolerated (SIFT; score: 0.377) and Benign (REVEL; score: 0.065) to the function of the canonical transcript. This variant is absent from ClinVar and to our current knowledge has not been reported in affected individuals in the literature. Given the lack of compelling evidence for its pathogenicity, the c.1822A>G (p.Asn608Asp) variant identified in the SIM1 gene is reported as a Variant of Uncertain Significance.

NM_005068.3(SIM1):c.1822A>G (p.Asn608Asp)

Gene: SIM1 (SIM bHLH transcription factor 1; minus strand). Cytogenetic location: 6q16.3.
Variant type: single nucleotide variant.
Coding change: c.1822A>G on transcript NM_005068.3 (MANE Select); coding-DNA position 1822, A replaced by G.
Protein change: p.Asn608Asp; replaces asparagine 608 with aspartic acid.
Molecular consequence: missense variant.
Genome position (GRCh38, 1-based): chr6:100,390,840, T>C on the plus strand (A>G on the coding strand, the complement: SIM1 is on the minus strand). VCF-style: chr6-100390840-T-C. GRCh37 (hg19) VCF-style: chr6-100838716-T-C.
Other names: c.1822A>G, p.Asn608Asp (NM_001374769.1); short protein forms N608D.
Identifiers: ClinVar variation 1701641 (VCV001701641.4), dbSNP rs1403566831, ClinGen allele CA365298251.